The following is an entry in ClinVar:

NM_002972.4(SBF1):c.3317del (p.Pro1106fs)

Gene: SBF1 (SET binding factor 1; minus strand). Cytogenetic location: 22q13.33.
Variant type: Deletion.
Coding change: c.3317del on transcript NM_002972.4 (MANE Select); coding-DNA position 3317, one base deleted (C; older notation c.3317delC).
Protein change: p.Pro1106fs; shifts the reading frame from proline 1106.
Molecular consequence: frameshift variant.
Genome position (GRCh38, 1-based): chr22:50,460,126, G deleted on the plus strand (C on the coding strand, the reverse complement: SBF1 is on the minus strand); the first of 4 consecutive G bases (chr22:50,460,126-50,460,129); deleting any one gives the same sequence. VCF-style (leftmost placement, unchanged base first): chr22-50460125-CG-C. GRCh37 (hg19) VCF-style: chr22-50898554-CG-C.
Other names: c.3320del, p.Pro1107fs (NM_001365819.1); c.3317delC, p.Pro1107Argfs (NM_001410794.1); c.3314delC, p.Pro1106Argfs (NM_001410795.1, NM_197971.1); short protein forms P1107fs, P1106fs.
Identifiers: ClinVar variation 1952532 (VCV001952532.5), dbSNP rs2067440192, ClinGen allele CA2580099988.

ClinVar aggregate classification (germline): Pathogenic (1 of 4 stars; one submission).

Submission:

Labcorp Genetics (formerly Invitae), Labcorp
Classification: Pathogenic. Last evaluated: 2022-09-19. Review status: criteria provided, single submitter. Criteria: Invitae Variant Classification Sherloc (09022015). Collection method: clinical testing. Allele origin: germline.
Comment: For these reasons, this variant has been classified as Pathogenic. This variant has not been reported in the literature in individuals affected with SBF1-related conditions. This variant is not present in population databases (gnomAD no frequency). This sequence change creates a premature translational stop signal (p.Pro1106Argfs*5) in the SBF1 gene. It is expected to result in an absent or disrupted protein product. Loss-of-function variants in SBF1 are known to be pathogenic (PMID: 28005197, 28902413).

Literature cited by the submitters: PubMed 28005197; PubMed 28902413.